The following is an entry in ClinVar:

NM_004006.3(DMD):c.6610A>G (p.Lys2204Glu)

Gene: DMD (dystrophin; minus strand). Cytogenetic location: Xp21.1.
Variant type: single nucleotide variant.
Coding change: c.6610A>G on transcript NM_004006.3 (MANE Select); coding-DNA position 6610, A replaced by G.
Protein change: p.Lys2204Glu; replaces lysine 2204 with glutamic acid.
Molecular consequence: missense variant. On other transcripts: 5 prime UTR variant (5).
Genome position (GRCh38, 1-based): chrX:31,968,343, T>C on the plus strand (A>G on the coding strand, the complement: DMD is on the minus strand). VCF-style: chrX-31968343-T-C. GRCh37 (hg19) VCF-style: chrX-31986460-T-C.
Other names: c.6586A>G, p.Lys2196Glu (NM_000109.4); c.6598A>G, p.Lys2200Glu (NM_004009.3); c.6241A>G, p.Lys2081Glu (NM_004010.3); c.2587A>G, p.Lys863Glu (NM_004011.4); c.2578A>G, p.Lys860Glu (NM_004012.4); c.-771A>G (NM_004013.3, NM_004020.4, NM_004021.3 and 2 more transcripts); short protein forms K2081E, K2196E, K860E, K2200E, K2204E, K863E.
Identifiers: ClinVar variation 3634813 (VCV003634813.2).

ClinVar aggregate classification (germline): Uncertain significance (1 of 4 stars; one submission).

Conditions:
Duchenne muscular dystrophy (DMD). Also called: MUSCULAR DYSTROPHY, PSEUDOHYPERTROPHIC PROGRESSIVE, DUCHENNE TYPE; Duchenne Muscular Dystrophy (DMD). Identifiers: Orphanet 98896, MedGen C0013264, MONDO:0010679, OMIM 310200.

Submission:

Labcorp Genetics (formerly Invitae), Labcorp
Classification: Uncertain significance for Duchenne muscular dystrophy. Last evaluated: 2024-02-09. Review status: criteria provided, single submitter. Criteria: Invitae Variant Classification Sherloc (09022015). Collection method: clinical testing. Allele origin: germline.
Comment: This sequence change replaces lysine, which is basic and polar, with glutamic acid, which is acidic and polar, at codon 2204 of the DMD protein (p.Lys2204Glu). This variant is not present in population databases (gnomAD no frequency). This variant has not been reported in the literature in individuals affected with DMD-related conditions. Advanced modeling of protein sequence and biophysical properties (such as structural, functional, and spatial information, amino acid conservation, physicochemical variation, residue mobility, and thermodynamic stability) performed at Invitae indicates that this missense variant is not expected to disrupt DMD protein function with a negative predictive value of 95%. In summary, the available evidence is currently insufficient to determine the role of this variant in disease. Therefore, it has been classified as a Variant of Uncertain Significance.